The following is an entry in ClinVar:

NM_006904.7(PRKDC):c.473G>C (p.Gly158Ala)

Gene: PRKDC (protein kinase, DNA-activated, catalytic subunit; minus strand). Cytogenetic location: 8q11.21.
Variant type: single nucleotide variant.
Coding change: c.473G>C on transcript NM_006904.7 (MANE Select); coding-DNA position 473, G replaced by C.
Protein change: p.Gly158Ala; replaces glycine 158 with alanine.
Molecular consequence: missense variant.
Genome position (GRCh38, 1-based): chr8:47,954,373, C>G on the plus strand (G>C on the coding strand, the complement: PRKDC is on the minus strand). VCF-style: chr8-47954373-C-G. GRCh37 (hg19) VCF-style: chr8-48866933-C-G.
Other names: c.473G>C, p.Gly158Ala (NM_001081640.2); short protein forms G158A.
Identifiers: ClinVar variation 1397982 (VCV001397982.6), dbSNP rs2154504596, ClinGen allele CA371139071.

ClinVar aggregate classification (germline): Uncertain significance (1 of 4 stars; one submission).

Conditions:
Severe combined immunodeficiency due to DNA-PKcs deficiency. Also called: IMMUNODEFICIENCY 26 WITH NEUROLOGIC ABNORMALITIES; Immunodeficiency 26 with or without neurologic abnormalities. Identifiers: Orphanet 317425, MedGen C4014833, MONDO:0014423, OMIM 615966.

Submission:

Labcorp Genetics (formerly Invitae), Labcorp
Classification: Uncertain significance for Severe combined immunodeficiency due to DNA-PKcs deficiency. Last evaluated: 2025-10-01. Review status: criteria provided, single submitter. Criteria: Invitae Variant Classification Sherloc (09022015). Collection method: clinical testing. Allele origin: germline.
Comment: This sequence change replaces glycine, which is neutral and non-polar, with alanine, which is neutral and non-polar, at codon 158 of the PRKDC protein (p.Gly158Ala). This variant is not present in population databases (gnomAD no frequency). This variant has not been reported in the literature in individuals affected with PRKDC-related conditions. ClinVar contains an entry for this variant (Variation ID: 1397982). Invitae Evidence Modeling of protein sequence and biophysical properties (such as structural, functional, and spatial information, amino acid conservation, physicochemical variation, residue mobility, and thermodynamic stability) indicates that this missense variant is not expected to disrupt PRKDC protein function with a negative predictive value of 80%. In summary, the available evidence is currently insufficient to determine the role of this variant in disease. Therefore, it has been classified as a Variant of Uncertain Significance.